The following is an entry in ClinVar:

NM_000057.4(BLM):c.3275G>A (p.Ser1092Asn)

Gene: BLM (BLM RecQ like helicase; plus strand). Cytogenetic location: 15q26.1.
Variant type: single nucleotide variant.
Coding change: c.3275G>A on transcript NM_000057.4 (MANE Select); coding-DNA position 3275, G replaced by A.
Protein change: p.Ser1092Asn; replaces serine 1092 with asparagine.
Molecular consequence: missense variant.
Genome position (GRCh38, 1-based): chr15:90,798,254, G>A. VCF-style: chr15-90798254-G-A. GRCh37 (hg19) VCF-style: chr15-91341484-G-A.
Other names: c.3275G>A, p.Ser1092Asn (NM_001287246.2, NM_001287247.2); c.2150G>A, p.Ser717Asn (NM_001287248.2); short protein forms S717N, S1092N.
Identifiers: ClinVar variation 4751660 (VCV004751660.2).

ClinVar aggregate classification (germline): Uncertain significance. Review status: criteria provided, multiple submitters, no conflicts (2 of 4 stars). 2 submissions from 2 submitters: Uncertain significance (2). Last evaluated 2026-01-03.

Conditions:
Bloom syndrome (BLM). Also called: Bloom-Torre-Machacek syndrome. Identifiers: Orphanet 125, MedGen C0005859, MONDO:0008876, OMIM 210900.
Hereditary cancer-predisposing syndrome. Also called: Neoplastic Syndromes, Hereditary; Hereditary neoplastic syndrome; Tumor predisposition; Hereditary Cancer Syndrome. Identifiers: Orphanet 140162, MedGen C0027672, MeSH D009386, MONDO:0015356.

gnomAD v4.1: 1 of 1,611,724 alleles (0.000062%); highest among the groups gnomAD compares: Non-Finnish European, 0.000085%; no homozygotes.

Submissions (2):

Ambry Genetics
Classification: Uncertain significance for Hereditary cancer-predisposing syndrome. Last evaluated: 2026-01-03. Review status: criteria provided, single submitter. Criteria: Ambry Variant Classification Scheme 2023. Collection method: clinical testing. Allele origin: germline.
Comment: The p.S1092N variant (also known as c.3275G>A), located in coding exon 16 of the BLM gene, results from a G to A substitution at nucleotide position 3275. The serine at codon 1092 is replaced by asparagine, an amino acid with highly similar properties. This amino acid position is conserved. In addition, this alteration is predicted to be tolerated by in silico analysis. Based on the available evidence, the clinical significance of this variant remains unclear.

Labcorp Genetics (formerly Invitae), Labcorp
Classification: Uncertain significance for Bloom syndrome. Last evaluated: 2025-09-28. Review status: criteria provided, single submitter. Criteria: Invitae Variant Classification Sherloc (09022015). Collection method: clinical testing. Allele origin: germline.
Comment: This sequence change replaces serine, which is neutral and polar, with asparagine, which is neutral and polar, at codon 1092 of the BLM protein (p.Ser1092Asn). This variant is not present in population databases (gnomAD no frequency). This variant has not been reported in the literature in individuals affected with BLM-related conditions. Invitae Evidence Modeling of protein sequence and biophysical properties (such as structural, functional, and spatial information, amino acid conservation, physicochemical variation, residue mobility, and thermodynamic stability) indicates that this missense variant is not expected to disrupt BLM protein function with a negative predictive value of 80%. In summary, the available evidence is currently insufficient to determine the role of this variant in disease. Therefore, it has been classified as a Variant of Uncertain Significance.